The following is an entry in ClinVar:

NM_001242896.3(DEPDC5):c.2583C>G (p.His861Gln)

Gene: DEPDC5 (DEP domain containing 5, GATOR1 subcomplex subunit; plus strand). Cytogenetic location: 22q12.3.
Variant type: single nucleotide variant.
Coding change: c.2583C>G on transcript NM_001242896.3 (MANE Select); coding-DNA position 2583, C replaced by G.
Protein change: p.His861Gln; replaces histidine 861 with glutamine.
Molecular consequence: missense variant. On other transcripts: non-coding transcript variant (5).
Genome position (GRCh38, 1-based): chr22:31,843,162, C>G. VCF-style: chr22-31843162-C-G. GRCh37 (hg19) VCF-style: chr22-32239148-C-G.
Other names: c.2556C>G, p.His852Gln (NM_001136029.4, NM_001369903.1, NM_014662.6); c.2349C>G, p.His783Gln (NM_001242897.2, NM_001363854.2, NM_001364319.2); c.2583C>G, p.His861Gln (NM_001363852.2, NM_001364318.2, NM_001364320.2); c.2499C>G, p.His833Gln (NM_001369901.1, NM_001369902.1); short protein forms H852Q, H783Q, H833Q, H861Q.
Identifiers: ClinVar variation 2133551 (VCV002133551.4), dbSNP rs2149004496, ClinGen allele CA411288885.

ClinVar aggregate classification (germline): Uncertain significance (1 of 4 stars; one submission).

Conditions:
Familial focal epilepsy with variable foci (FPEVF). Identifiers: Orphanet 98820, MedGen C1858477, MONDO:0020310.

Submission:

Labcorp Genetics (formerly Invitae), Labcorp
Classification: Uncertain significance for Familial focal epilepsy with variable foci. Last evaluated: 2022-05-20. Review status: criteria provided, single submitter. Criteria: Invitae Variant Classification Sherloc (09022015). Collection method: clinical testing. Allele origin: germline.
Comment: This variant has not been reported in the literature in individuals affected with DEPDC5-related conditions. This variant is not present in population databases (gnomAD no frequency). This sequence change replaces histidine, which is basic and polar, with glutamine, which is neutral and polar, at codon 861 of the DEPDC5 protein (p.His861Gln). Algorithms developed to predict the effect of missense changes on protein structure and function are either unavailable or do not agree on the potential impact of this missense change (SIFT: "Deleterious"; PolyPhen-2: "Not Available"; Align-GVGD: "Class C15"). In summary, the available evidence is currently insufficient to determine the role of this variant in disease. Therefore, it has been classified as a Variant of Uncertain Significance.